The following is an entry in ClinVar:

ClinVar aggregate classification (germline): Uncertain significance (1 of 4 stars; one submission).

Allele frequency attached by ClinVar (database versions not stated): TOPMed below 0.00001.
gnomAD v4.1: 2 of 961,024 alleles (0.00021%); highest among the groups gnomAD compares: Non-Finnish European, 0.0003%; no homozygotes.

Submission:

Labcorp Genetics (formerly Invitae), Labcorp
Classification: Uncertain significance. Last evaluated: 2020-11-04. Review status: criteria provided, single submitter. Criteria: Invitae Variant Classification Sherloc (09022015). Collection method: clinical testing. Allele origin: germline.
Comment: In summary, the available evidence is currently insufficient to determine the role of this variant in disease. Therefore, it has been classified as a Variant of Uncertain Significance. Algorithms developed to predict the effect of missense changes on protein structure and function are either unavailable or do not agree on the potential impact of this missense change (SIFT: "Deleterious"; PolyPhen-2: "Probably Damaging"; Align-GVGD: "Class C15"). This variant has not been reported in the literature in individuals with TFRC-related conditions. This variant is not present in population databases (ExAC no frequency). This sequence change replaces proline with arginine at codon 399 of the TFRC protein (p.Pro399Arg). The proline residue is highly conserved and there is a moderate physicochemical difference between proline and arginine.

NM_001128148.3(TFRC):c.1196C>G (p.Pro399Arg)

Gene: TFRC (transferrin receptor; minus strand). Cytogenetic location: 3q29.
Variant type: single nucleotide variant.
Coding change: c.1196C>G on transcript NM_001128148.3 (MANE Select); coding-DNA position 1196, C replaced by G.
Protein change: p.Pro399Arg; replaces proline 399 with arginine.
Molecular consequence: missense variant.
Genome position (GRCh38, 1-based): chr3:196,065,445, G>C on the plus strand (C>G on the coding strand, the complement: TFRC is on the minus strand). VCF-style: chr3-196065445-G-C. GRCh37 (hg19) VCF-style: chr3-195792316-G-C.
Other names: c.953C>G, p.Pro318Arg (NM_001313965.2); c.350C>G, p.Pro117Arg (NM_001313966.2); c.1196C>G, p.Pro399Arg (NM_003234.4); short protein forms P318R, P117R, P399R.
Identifiers: ClinVar variation 1525106 (VCV001525106.8), dbSNP rs1317596998, ClinGen allele CA355572076.